The following is an entry in ClinVar:

NM_004415.4(DSP):c.7598C>G (p.Ala2533Gly)

Gene: DSP (desmoplakin; plus strand). Cytogenetic location: 6p24.3.
Variant type: single nucleotide variant.
Coding change: c.7598C>G on transcript NM_004415.4 (MANE Select); coding-DNA position 7598, C replaced by G.
Protein change: p.Ala2533Gly; replaces alanine 2533 with glycine.
Molecular consequence: missense variant.
Genome position (GRCh38, 1-based): chr6:7,584,860, C>G. VCF-style: chr6-7584860-C-G. GRCh37 (hg19) VCF-style: chr6-7585093-C-G.
Other names: c.5801C>G, p.Ala1934Gly (NM_001008844.3); c.6269C>G, p.Ala2090Gly (NM_001319034.2); short protein forms A1934G, A2090G, A2533G.
Identifiers: ClinVar variation 2938040 (VCV002938040.3), dbSNP rs1168007543, ClinGen allele CA362693365.

ClinVar aggregate classification (germline): Uncertain significance (1 of 4 stars; one submission).

Conditions:
Arrhythmogenic right ventricular dysplasia 8 (ARVD8). Also called: Arrhythmogenic Right Ventricular Dysplasia/Cardiomyopathy 8; ARRHYTHMOGENIC RIGHT VENTRICULAR DYSPLASIA, FAMILIAL, 8; ARRHYTHMOGENIC RIGHT VENTRICULAR CARDIOMYOPATHY 8. Identifiers: MedGen C1843896, MONDO:0011831, OMIM 607450.
Arrhythmogenic cardiomyopathy with wooly hair and keratoderma. Also called: PALMOPLANTAR KERATODERMA WITH LEFT VENTRICULAR CARDIOMYOPATHY AND WOOLLY HAIR; Carvajal syndrome; Dilated cardiomyopathy with woolly hair and keratoderma; Arrhythmogenic cardiomyopathy with woolly hair and keratoderma. Identifiers: Orphanet 65282, MedGen C1854063, MONDO:0011581, OMIM 605676.

gnomAD v4.1: 3 of 1,614,172 alleles (0.00019%); highest among the groups gnomAD compares: Non-Finnish European, 0.00025%; no homozygotes.

Submission:

Labcorp Genetics (formerly Invitae), Labcorp
Classification: Uncertain significance for Arrhythmogenic cardiomyopathy with wooly hair and keratoderma; Arrhythmogenic right ventricular dysplasia 8. Last evaluated: 2023-10-03. Review status: criteria provided, single submitter. Criteria: Invitae Variant Classification Sherloc (09022015). Collection method: clinical testing. Allele origin: germline.
Comment: This sequence change replaces alanine, which is neutral and non-polar, with glycine, which is neutral and non-polar, at codon 2533 of the DSP protein (p.Ala2533Gly). This variant is present in population databases (no rsID available, gnomAD 0.0009%). This variant has not been reported in the literature in individuals affected with DSP-related conditions. An algorithm developed to predict the effect of missense changes on protein structure and function (PolyPhen-2) suggests that this variant is likely to be tolerated. In summary, the available evidence is currently insufficient to determine the role of this variant in disease. Therefore, it has been classified as a Variant of Uncertain Significance.